The following is an entry in ClinVar:

ClinVar aggregate classification (germline): Uncertain significance (1 of 4 stars; one submission).

Allele frequency attached by ClinVar (database versions not stated): TOPMed 0.00001; ExAC 0.00002; gnomAD 0.00002; gnomAD exomes 0.00003.
gnomAD v4.1: 41 of 1,612,644 alleles (0.0025%); highest among the groups gnomAD compares: Non-Finnish European, 0.0031%; no homozygotes.

Submission:

Labcorp Genetics (formerly Invitae), Labcorp
Classification: Uncertain significance. Last evaluated: 2022-05-27. Review status: criteria provided, single submitter. Criteria: Invitae Variant Classification Sherloc (09022015). Collection method: clinical testing. Allele origin: germline.
Comment: This sequence change replaces glutamic acid, which is acidic and polar, with lysine, which is basic and polar, at codon 1569 of the CDH23 protein (p.Glu1569Lys). This variant is present in population databases (rs770158826, gnomAD 0.003%). This variant has not been reported in the literature in individuals affected with CDH23-related conditions. Algorithms developed to predict the effect of missense changes on protein structure and function are either unavailable or do not agree on the potential impact of this missense change (SIFT: "Tolerated"; PolyPhen-2: "Not Available"; Align-GVGD: "Class C0"). Algorithms developed to predict the effect of sequence changes on RNA splicing suggest that this variant may create or strengthen a splice site. In summary, the available evidence is currently insufficient to determine the role of this variant in disease. Therefore, it has been classified as a Variant of Uncertain Significance.

NM_022124.6(CDH23):c.4705G>A (p.Glu1569Lys)

Gene: CDH23 (cadherin related 23; plus strand). Cytogenetic location: 10q22.1.
Variant type: single nucleotide variant.
Coding change: c.4705G>A on transcript NM_022124.6 (MANE Select); coding-DNA position 4705, G replaced by A.
Protein change: p.Glu1569Lys; replaces glutamic acid 1569 with lysine.
Molecular consequence: missense variant.
Genome position (GRCh38, 1-based): chr10:71,741,781, G>A. VCF-style: chr10-71741781-G-A. GRCh37 (hg19) VCF-style: chr10-73501538-G-A.
Other names: short protein forms E1569K.
Identifiers: ClinVar variation 2066119 (VCV002066119.1), dbSNP rs770158826, ClinGen allele CA5545132.